The following is an entry in ClinVar:

NM_001606.5(ABCA2):c.6617C>T (p.Ala2206Val)

Gene: ABCA2 (ATP binding cassette subfamily A member 2; minus strand). Cytogenetic location: 9q34.3.
Variant type: single nucleotide variant.
Coding change: c.6617C>T on transcript NM_001606.5 (MANE Select); coding-DNA position 6617, C replaced by T.
Protein change: p.Ala2206Val; replaces alanine 2206 with valine.
Molecular consequence: missense variant.
Genome position (GRCh38, 1-based): chr9:137,009,782, G>A on the plus strand (C>T on the coding strand, the complement: ABCA2 is on the minus strand). VCF-style: chr9-137009782-G-A. GRCh37 (hg19) VCF-style: chr9-139904234-G-A.
Other names: c.6614C>T, p.Ala2205Val (NM_001411042.1); c.6707C>T, p.Ala2236Val (NM_212533.3); short protein forms A2205V, A2206V, A2236V.
Identifiers: ClinVar variation 1878897 (VCV001878897.2), dbSNP rs1005414934, ClinGen allele CA201695137.

ClinVar aggregate classification (germline): Uncertain significance. Review status: criteria provided, multiple submitters, no conflicts (2 of 4 stars). 2 submissions from 2 submitters: Uncertain significance (2). Last evaluated 2024-09-10.

Submissions (2):

Ambry Genetics
Classification: Uncertain significance. Last evaluated: 2024-09-10. Review status: criteria provided, single submitter. Criteria: Ambry Variant Classification Scheme 2023. Collection method: clinical testing. Allele origin: germline.

GeneDx
Classification: Uncertain significance. Last evaluated: 2022-07-11. Review status: criteria provided, single submitter. Criteria: GeneDx Variant Classification Process June 2021. Collection method: clinical testing. Allele origin: germline. Affected: yes.
Comment: Not observed at significant frequency in large population cohorts (gnomAD); In silico analysis supports that this missense variant does not alter protein structure/function; Has not been previously published as pathogenic or benign to our knowledge